The following is an entry in ClinVar:

NM_005876.5(SPEG):c.9365C>T (p.Thr3122Met)

Genes: ASIC4-AS1 (ASIC4 antisense RNA 1; minus strand), SPEG (striated muscle enriched protein kinase; plus strand). Cytogenetic location: 2q35.
Variant type: single nucleotide variant.
Coding change: c.9365C>T on transcript NM_005876.5 (MANE Select); coding-DNA position 9365, C replaced by T.
Protein change: p.Thr3122Met; replaces threonine 3122 with methionine.
Molecular consequence: missense variant.
Genome position (GRCh38, 1-based): chr2:219,490,936, C>T. VCF-style: chr2-219490936-C-T. GRCh37 (hg19) VCF-style: chr2-220355658-C-T.
Other names: short protein forms T3122M.
Identifiers: ClinVar variation 1489964 (VCV001489964.3), dbSNP rs200200624, ClinGen allele CA2127728.

ClinVar aggregate classification (germline): Uncertain significance (1 of 4 stars; one submission).

Allele frequency attached by ClinVar (database versions not stated): gnomAD 0.00002 and 0.00003; gnomAD exomes 0.00002; TOPMed 0.00002; ExAC 0.00004; ESP Exome Variant Server 0.00016.
gnomAD v4.1: 71 of 1,612,868 alleles (0.0044%); highest among the groups gnomAD compares: East Asian, 0.018%; no homozygotes.

Submission:

Labcorp Genetics (formerly Invitae), Labcorp
Classification: Uncertain significance. Last evaluated: 2022-08-10. Review status: criteria provided, single submitter. Criteria: Invitae Variant Classification Sherloc (09022015). Collection method: clinical testing. Allele origin: germline.
Comment: This sequence change replaces threonine, which is neutral and polar, with methionine, which is neutral and non-polar, at codon 3122 of the SPEG protein (p.Thr3122Met). This variant is present in population databases (rs200200624, gnomAD 0.006%). This variant has not been reported in the literature in individuals affected with SPEG-related conditions. ClinVar contains an entry for this variant (Variation ID: 1489964). Algorithms developed to predict the effect of missense changes on protein structure and function are either unavailable or do not agree on the potential impact of this missense change (SIFT: "Deleterious"; PolyPhen-2: "Probably Damaging"; Align-GVGD: "Class C0"). In summary, the available evidence is currently insufficient to determine the role of this variant in disease. Therefore, it has been classified as a Variant of Uncertain Significance.